The following is an entry in ClinVar:

ClinVar aggregate classification (germline): Benign/Likely benign. Review status: criteria provided, multiple submitters, no conflicts (2 of 4 stars). 6 submissions from 5 submitters: Benign (3); Likely benign (3). Last evaluated 2025-12-09.

Conditions:
Tangier disease (TGD). Also called: HIGH DENSITY LIPOPROTEIN DEFICIENCY, TANGIER TYPE; HIGH DENSITY LIPOPROTEIN DEFICIENCY, TYPE 1; Cholesterol thesaurismosis. Identifiers: Orphanet 31150, MedGen C0039292, MONDO:0008783, OMIM 205400.
Cardiovascular phenotype. Identifiers: MedGen CN230736.
Hypoalphalipoproteinemia, primary, 1. Identifiers: Orphanet 425, MedGen C5231558, MONDO:0011393, OMIM 604091.

Allele frequency attached by ClinVar (database versions not stated): gnomAD 0.00015 and 0.00023; gnomAD exomes 0.00017 and 0.00055; ExAC 0.00037; 1000 Genomes Project 30x 0.00156; 1000 Genomes Project 0.00180; TOPMed 0.00041.
gnomAD v4.1: 288 of 1,614,126 alleles (0.018%); highest among the groups gnomAD compares: East Asian, 0.59%; 1 homozygote.

Submissions (6):

Labcorp Genetics (formerly Invitae), Labcorp
Classification: Benign. Last evaluated: 2025-12-09. Review status: criteria provided, single submitter. Criteria: Invitae Variant Classification Sherloc (09022015). Collection method: clinical testing. Allele origin: germline.

Ambry Genetics
Classification: Likely benign for Cardiovascular phenotype. Last evaluated: 2022-04-19. Review status: criteria provided, single submitter. Criteria: Ambry Variant Classification Scheme 2023. Collection method: clinical testing. Allele origin: germline.

Women's Health and Genetics/Laboratory Corporation of America, LabCorp
Classification: Benign. Last evaluated: 2021-10-03. Review status: criteria provided, single submitter. Criteria: LabCorp Variant Classification Summary - May 2015. Collection method: clinical testing. Allele origin: germline.
Comment: Variant summary: ABCA1 c.5034G>A alters a non-conserved nucleotide resulting in a synonymous change that abolishes a cryptic exonic putative splice acceptor site. 4/4 computational tools predict no significant impact on normal splicing. However, these predictions have yet to be confirmed by functional studies. The variant allele was found at a frequency of 0.00055 in 251334 control chromosomes. The observed variant frequency is approximately 44 fold of the estimated maximal expected allele frequency for a pathogenic variant in ABCA1 causing Early Onset Coronary Artery Disease phenotype (1.3e-05), strongly suggesting that the variant is benign. To our knowledge, no occurrence of c.5034G>A in individuals affected with Early Onset Coronary Artery Disease and no experimental evidence demonstrating its impact on protein function have been reported. One clinical diagnostic laboratory has submitted two clinical-significance assessments for this variant to ClinVar after 2014 without evidence for independent evaluation. Both submissions classified the variant as benign/likely benign. Based on the evidence outlined above, the variant was classified as benign.

Blueprint Genetics
Classification: Likely benign. Last evaluated: 2021-05-27. Review status: criteria provided, single submitter. Criteria: ACMG Guidelines, 2015. Collection method: clinical testing. Allele origin: germline.

Illumina Laboratory Services, Illumina
Classification: Likely benign for Tangier disease. Last evaluated: 2018-01-13. Review status: criteria provided, single submitter. Criteria: ICSL Variant Classification Criteria 13 December 2019. Collection method: clinical testing. Allele origin: germline.
Comment: This variant was observed in the ICSL laboratory as part of a predisposition screen in an ostensibly healthy population. It had not been previously curated by ICSL or reported in the Human Gene Mutation Database (HGMD: prior to June 1st, 2018), and was therefore a candidate for classification through an automated scoring system. Utilizing variant allele frequency, disease prevalence and penetrance estimates, and inheritance mode, an automated score was calculated to assess if this variant is too frequent to cause the disease. Based on the score and internal cut-off values, a variant classified as likely benign is not then subjected to further curation. The score for this variant resulted in a classification of likely benign for this disease.

Illumina Laboratory Services, Illumina
Classification: Benign for Hypoalphalipoproteinemia, primary, 1. Last evaluated: 2018-01-13. Review status: criteria provided, single submitter. Criteria: ICSL Variant Classification Criteria 13 December 2019. Collection method: clinical testing. Allele origin: germline.
Comment: This variant was observed in the ICSL laboratory as part of a predisposition screen in an ostensibly healthy population. It had not been previously curated by ICSL or reported in the Human Gene Mutation Database (HGMD: prior to June 1st, 2018), and was therefore a candidate for classification through an automated scoring system. Utilizing variant allele frequency, disease prevalence and penetrance estimates, and inheritance mode, an automated score was calculated to assess if this variant is too frequent to cause the disease. Based on the score and internal cut-off values, a variant classified as benign is not then subjected to further curation. The score for this variant resulted in a classification of benign for this disease.

NM_005502.4(ABCA1):c.5034G>A (p.Gln1678=)

Gene: ABCA1 (ATP binding cassette subfamily A member 1; minus strand). Cytogenetic location: 9q31.1.
Variant type: single nucleotide variant.
Coding change: c.5034G>A on transcript NM_005502.4 (MANE Select); coding-DNA position 5034, G replaced by A.
Protein change: p.Gln1678=; no amino-acid change (glutamine 1678 retained).
Molecular consequence: synonymous variant.
Genome position (GRCh38, 1-based): chr9:104,798,508, C>T on the plus strand (G>A on the coding strand, the complement: ABCA1 is on the minus strand). VCF-style: chr9-104798508-C-T. GRCh37 (hg19) VCF-style: chr9-107560789-C-T.
Identifiers: ClinVar variation 364395 (VCV000364395.16), dbSNP rs13306075, ClinGen allele CA5167956.